The following is an entry in ClinVar:

ClinVar aggregate classification (germline): Uncertain significance. Review status: criteria provided, multiple submitters, no conflicts (2 of 4 stars). 2 submissions from 2 submitters: Uncertain significance (2). Last evaluated 2024-09-12.

Conditions:
Combined immunodeficiency due to OX40 deficiency. Also called: OX40 DEFICIENCY; Immunodeficiency 16. Identifiers: Orphanet 431149, MedGen C3810053, MONDO:0014268, OMIM 615593.

gnomAD v4.1: 1 of 1,567,970 alleles (0.000064%); no homozygotes.

Submissions (2):

Labcorp Genetics (formerly Invitae), Labcorp
Classification: Uncertain significance for Combined immunodeficiency due to OX40 deficiency. Last evaluated: 2024-09-12. Review status: criteria provided, single submitter. Criteria: Invitae Variant Classification Sherloc (09022015). Collection method: clinical testing. Allele origin: germline.
Comment: This sequence change replaces proline, which is neutral and non-polar, with serine, which is neutral and polar, at codon 210 of the TNFRSF4 protein (p.Pro210Ser). This variant is not present in population databases (gnomAD no frequency). This variant has not been reported in the literature in individuals affected with TNFRSF4-related conditions. Invitae Evidence Modeling of protein sequence and biophysical properties (such as structural, functional, and spatial information, amino acid conservation, physicochemical variation, residue mobility, and thermodynamic stability) indicates that this missense variant is not expected to disrupt TNFRSF4 protein function with a negative predictive value of 80%. In summary, the available evidence is currently insufficient to determine the role of this variant in disease. Therefore, it has been classified as a Variant of Uncertain Significance.

Ambry Genetics
Classification: Uncertain significance. Last evaluated: 2024-03-21. Review status: criteria provided, single submitter. Criteria: Ambry Variant Classification Scheme 2023. Collection method: clinical testing. Allele origin: germline.

NM_003327.4(TNFRSF4):c.628C>T (p.Pro210Ser)

Gene: TNFRSF4 (TNF receptor superfamily member 4; minus strand). Cytogenetic location: 1p36.33.
Variant type: single nucleotide variant.
Coding change: c.628C>T on transcript NM_003327.4 (MANE Select); coding-DNA position 628, C replaced by T.
Protein change: p.Pro210Ser; replaces proline 210 with serine.
Molecular consequence: missense variant.
Genome position (GRCh38, 1-based): chr1:1,211,948, G>A on the plus strand (C>T on the coding strand, the complement: TNFRSF4 is on the minus strand). VCF-style: chr1-1211948-G-A. GRCh37 (hg19) VCF-style: chr1-1147328-G-A.
Other names: c.628C>T, p.Pro210Ser (NM_001410709.1); short protein forms P210S.
Identifiers: ClinVar variation 3327526 (VCV003327526.3).